The following is an entry in ClinVar:

ClinVar aggregate classification (germline): Uncertain significance (1 of 4 stars; one submission).

Submission:

GeneDx
Classification: Uncertain significance. Last evaluated: 2024-11-15. Review status: criteria provided, single submitter. Criteria: GeneDx Variant Classification Process June 2021. Collection method: clinical testing. Allele origin: germline. Affected: yes.
Comment: Not observed at significant frequency in large population cohorts (gnomAD); In silico analysis indicates that this missense variant does not alter protein structure/function; Has not been previously published as pathogenic or benign to our knowledge

NM_153252.5(BRWD3):c.3733C>A (p.Gln1245Lys)

Gene: BRWD3 (bromodomain and WD repeat domain containing 3; minus strand). Cytogenetic location: Xq21.1.
Variant type: single nucleotide variant.
Coding change: c.3733C>A on transcript NM_153252.5 (MANE Select); coding-DNA position 3733, C replaced by A.
Protein change: p.Gln1245Lys; replaces glutamine 1245 with lysine.
Molecular consequence: missense variant.
Genome position (GRCh38, 1-based): chrX:80,689,842, G>T on the plus strand (C>A on the coding strand, the complement: BRWD3 is on the minus strand). VCF-style: chrX-80689842-G-T. GRCh37 (hg19) VCF-style: chrX-79945341-G-T.
Other names: short protein forms Q1245K.
Identifiers: ClinVar variation 3899714 (VCV003899714.1).